The following is an entry in ClinVar:

ClinVar aggregate classification (germline): Uncertain significance (1 of 4 stars; one submission).

Conditions:
Ullrich congenital muscular dystrophy 2 (UCMD2). Identifiers: Orphanet 75840, MedGen C4225314, MONDO:0014654, OMIM 616470.
Bethlem myopathy 2 (BTHLM2). Identifiers: Orphanet 536516, Orphanet 610, MedGen C4225313, MONDO:0034022, OMIM 616471.

gnomAD v4.1: 6 of 1,612,988 alleles (0.00037%); highest among the groups gnomAD compares: Non-Finnish European, 0.00042%; no homozygotes.

Submission:

Labcorp Genetics (formerly Invitae), Labcorp
Classification: Uncertain significance for Bethlem myopathy 2; Ullrich congenital muscular dystrophy 2. Last evaluated: 2024-04-15. Review status: criteria provided, single submitter. Criteria: Invitae Variant Classification Sherloc (09022015). Collection method: clinical testing. Allele origin: germline.
Comment: This sequence change replaces serine, which is neutral and polar, with proline, which is neutral and non-polar, at codon 234 of the COL12A1 protein (p.Ser234Pro). This variant is not present in population databases (gnomAD no frequency). This variant has not been reported in the literature in individuals affected with COL12A1-related conditions. Advanced modeling of protein sequence and biophysical properties (such as structural, functional, and spatial information, amino acid conservation, physicochemical variation, residue mobility, and thermodynamic stability) performed at Invitae indicates that this missense variant is not expected to disrupt COL12A1 protein function with a negative predictive value of 80%. In summary, the available evidence is currently insufficient to determine the role of this variant in disease. Therefore, it has been classified as a Variant of Uncertain Significance.

NM_004370.6(COL12A1):c.700T>C (p.Ser234Pro)

Gene: COL12A1 (collagen type XII alpha 1 chain; minus strand). Cytogenetic location: 6q13.
Variant type: single nucleotide variant.
Coding change: c.700T>C on transcript NM_004370.6 (MANE Select); coding-DNA position 700, T replaced by C.
Protein change: p.Ser234Pro; replaces serine 234 with proline.
Molecular consequence: missense variant. On other transcripts: intron variant (2).
Genome position (GRCh38, 1-based): chr6:75,189,340, A>G on the plus strand (T>C on the coding strand, the complement: COL12A1 is on the minus strand). VCF-style: chr6-75189340-A-G. GRCh37 (hg19) VCF-style: chr6-75899056-A-G.
Other names: c.700T>C, p.Ser234Pro (NM_001424113.1, NM_001424114.1, NM_001424115.1); c.73+13380T>C (NM_001424116.1, NM_080645.3); short protein forms S234P.
Identifiers: ClinVar variation 3762407 (VCV003762407.2).